The following is an entry in ClinVar:

ClinVar aggregate classification (germline): Pathogenic (1 of 4 stars; one submission).

Submission:

Labcorp Genetics (formerly Invitae), Labcorp
Classification: Pathogenic. Last evaluated: 2019-10-15. Review status: criteria provided, single submitter. Criteria: Invitae Variant Classification Sherloc (09022015). Collection method: clinical testing. Allele origin: germline.
Comment: A gross deletion of the genomic region encompassing the full coding sequence of the CHM gene has been identified. The boundaries of this event are unknown as the deletion extends beyond the assayed region for this gene and therefore may encompass additional genes. A similar deletion has been observed in several individuals affected with choroideremia (PMID: 26133251, 7981671, 21905166, 23811034) and segregated with choroideremia in several families (PMID: 8749050, 17698759). Larger deletions involving this and neighboring genes have also been reported in families with choroideremia, deafness, and intellectual disability (PMID: 3476958). Loss-of-function variants in CHM are known to be pathogenic (PMID: 9067750, 23811034). For these reasons, this variant has been classified as Pathogenic.

Literature cited by the submitters: PubMed 21905166; PubMed 8749050; PubMed 23811034; PubMed 26133251; PubMed 17698759; PubMed 7981671; PubMed 3476958.

NC_000023.10:g.(?_84634178)_(85404112_?)del

Genes: CHM (CHM Rab escort protein; minus strand), DACH2 (dachshund family transcription factor 2; plus strand), POF1B (POF1B actin binding protein; minus strand). Cytogenetic location: Xq21.2.
Variant type: Deletion.
Identifiers: ClinVar variation 833170 (VCV000833170.1).